The following is an entry in ClinVar:

NM_012301.4(MAGI2):c.878C>T (p.Thr293Ile)

Gene: MAGI2 (membrane associated guanylate kinase, WW and PDZ domain containing 2; minus strand). Cytogenetic location: 7q21.11.
Variant type: single nucleotide variant.
Coding change: c.878C>T on transcript NM_012301.4 (MANE Select); coding-DNA position 878, C replaced by T.
Protein change: p.Thr293Ile; replaces threonine 293 with isoleucine.
Molecular consequence: missense variant.
Genome position (GRCh38, 1-based): chr7:78,501,664, G>A on the plus strand (C>T on the coding strand, the complement: MAGI2 is on the minus strand). VCF-style: chr7-78501664-G-A. GRCh37 (hg19) VCF-style: chr7-78130981-G-A.
Other names: c.878C>T, p.Thr293Ile (NM_001301128.2); short protein forms T293I.
Identifiers: ClinVar variation 129555 (VCV000129555.15), dbSNP rs587780389, ClinGen allele CA153624.

ClinVar aggregate classification (germline): Conflicting classifications of pathogenicity. Review status: criteria provided, conflicting classifications (1 of 4 stars). 4 submissions from 4 submitters: Uncertain significance (3); Likely benign (1). Last evaluated 2024-05-20.

Allele frequency attached by ClinVar (database versions not stated): TOPMed below 0.00001; gnomAD exomes 0.00001 and 0.00002.
gnomAD v4.1: 5 of 1,614,078 alleles (0.00031%); highest among the groups gnomAD compares: Admixed American, 0.0083%; no homozygotes.

Submissions (4):

Labcorp Genetics (formerly Invitae), Labcorp
Classification: Uncertain significance. Last evaluated: 2024-05-20. Review status: criteria provided, single submitter. Criteria: Invitae Variant Classification Sherloc (09022015). Collection method: clinical testing. Allele origin: germline.
Comment: This sequence change replaces threonine, which is neutral and polar, with isoleucine, which is neutral and non-polar, at codon 293 of the MAGI2 protein (p.Thr293Ile). This variant is present in population databases (rs587780389, gnomAD 0.01%). This variant has not been reported in the literature in individuals affected with MAGI2-related conditions. ClinVar contains an entry for this variant (Variation ID: 129555). An algorithm developed to predict the effect of missense changes on protein structure and function (PolyPhen-2) suggests that this variant is likely to be tolerated. In summary, the available evidence is currently insufficient to determine the role of this variant in disease. Therefore, it has been classified as a Variant of Uncertain Significance.

Ambry Genetics
Classification: Uncertain significance. Last evaluated: 2022-08-26. Review status: criteria provided, single submitter. Criteria: Ambry Variant Classification Scheme 2023. Collection method: clinical testing. Allele origin: germline.

Eurofins Ntd Llc (ga)
Classification: Uncertain significance. Last evaluated: 2014-11-05. Review status: criteria provided, single submitter. Criteria: EGL Classification Definitions 2015. Collection method: clinical testing. Allele origin: germline. Observed: 1 variant allele, 1 heterozygote.

Genetic Services Laboratory, University of Chicago
Classification: Likely benign for AllHighlyPenetrant. Last evaluated: 2013-08-01. Review status: criteria provided, single submitter. Criteria: ACMG Guidelines, 2007. Collection method: clinical testing. Allele origin: germline. Inheritance: Autosomal dominant inheritance.